The following is an entry in ClinVar:

NM_000051.4(ATM):c.3265G>T (p.Ala1089Ser)

Gene: ATM (ATM serine/threonine kinase; plus strand). Cytogenetic location: 11q22.3.
Variant type: single nucleotide variant.
Coding change: c.3265G>T on transcript NM_000051.4 (MANE Select); coding-DNA position 3265, G replaced by T.
Protein change: p.Ala1089Ser; replaces alanine 1089 with serine.
Molecular consequence: missense variant.
Genome position (GRCh38, 1-based): chr11:108,272,833, G>T. VCF-style: chr11-108272833-G-T. GRCh37 (hg19) VCF-style: chr11-108143560-G-T.
Other names: p.A1089S:GCT>TCT; p.Ala1089Ser; c.3265G>T, p.Ala1089Ser (NM_001351834.2); short protein forms A1089S.
Identifiers: ClinVar variation 181941 (VCV000181941.39), dbSNP rs730881358, ClinGen allele CA298201.

ClinVar aggregate classification (germline): Conflicting classifications of pathogenicity. Review status: criteria provided, conflicting classifications (1 of 4 stars). 13 submissions from 13 submitters: Uncertain significance (10); Likely benign (1). 2 of the submissions do not count toward it. Last evaluated 2026-06-04.

Conditions:
ATM-related disorder. Also called: ATM-related disorders; ATM-related condition.
Hereditary cancer-predisposing syndrome. Also called: Tumor predisposition; Hereditary Cancer Syndrome; Hereditary neoplastic syndrome; Neoplastic Syndromes, Hereditary. Identifiers: Orphanet 140162, MedGen C0027672, MeSH D009386, MONDO:0015356.
Familial cancer of breast. Also called: Hereditary breast cancer; hereditary breast carcinoma; BREAST CANCER, FAMILIAL. Identifiers: Orphanet 227535, MedGen C0346153, MONDO:0016419, OMIM 114480. Disease mechanism: loss of function.
Ataxia-telangiectasia syndrome (AT). Also called: LOUIS-BAR SYNDROME; ATAXIA-TELANGIECTASIA, COMPLEMENTATION GROUP A; ATAXIA-TELANGIECTASIA, FRESNO VARIANT; Ataxia-telangiectasia; Ataxia telangiectasia (A-T); Cerebello-oculocutaneous telangiectasia. Identifiers: Orphanet 100, MedGen C0004135, MONDO:0008840, OMIM 208900.

Allele frequency attached by ClinVar (database versions not stated): gnomAD exomes 0.00001 and 0.00010; TOPMed 0.00006; ExAC 0.00001.
gnomAD v4.1: 143 of 1,613,882 alleles (0.0089%); highest among the groups gnomAD compares: Non-Finnish European, 0.012%; no homozygotes.

Submissions (13):

Ambry Genetics
Classification: Likely benign for Hereditary cancer-predisposing syndrome. Last evaluated: 2026-06-04. Review status: criteria provided, single submitter. Criteria: Ambry Variant Classification Scheme 2023. Collection method: clinical testing. Allele origin: germline.

Labcorp Genetics (formerly Invitae), Labcorp
Classification: Uncertain significance for Ataxia-telangiectasia syndrome. Last evaluated: 2026-01-19. Review status: criteria provided, single submitter. Criteria: Invitae Variant Classification Sherloc (09022015). Collection method: clinical testing. Allele origin: germline.
Comment: This sequence change replaces alanine, which is neutral and non-polar, with serine, which is neutral and polar, at codon 1089 of the ATM protein (p.Ala1089Ser). This variant is present in population databases (rs730881358, gnomAD 0.003%). This missense change has been observed in individual(s) with clinical features of ATM-related cancer (PMID: 28779002, 33383211, 35047863). ClinVar contains an entry for this variant (Variation ID: 181941). Invitae Evidence Modeling of protein sequence and biophysical properties (such as structural, functional, and spatial information, amino acid conservation, physicochemical variation, residue mobility, and thermodynamic stability) indicates that this missense variant is not expected to disrupt ATM protein function with a negative predictive value of 95%. In summary, the available evidence is currently insufficient to determine the role of this variant in disease. Therefore, it has been classified as a Variant of Uncertain Significance.

Quest Diagnostics Nichols Institute San Juan Capistrano
Classification: Uncertain significance. Last evaluated: 2025-04-30. Review status: criteria provided, single submitter. Criteria: Quest Diagnostics criteria. Collection method: clinical testing. Allele origin: unknown.

Color Diagnostics, LLC DBA Color Health
Classification: Uncertain significance for Hereditary cancer-predisposing syndrome. Last evaluated: 2025-03-04. Review status: criteria provided, single submitter. Criteria: ACMG Guidelines, 2015. Collection method: clinical testing. Allele origin: germline.
Comment: This missense variant replaces alanine with serine at codon 1089 of the ATM protein. Computational prediction suggests that this variant may not impact protein structure and function. To our knowledge, functional studies have not been reported for this variant. This variant has been reported in individuals affected with breast cancer and in unaffected individuals (PMID: 28779002, 33471991). This variant has been identified in 3/276880 chromosomes in the general population by the Genome Aggregation Database (gnomAD). The available evidence is insufficient to determine the role of this variant in disease conclusively. Therefore, this variant is classified as a Variant of Uncertain Significance.

Women's Health and Genetics/Laboratory Corporation of America, LabCorp
Classification: Uncertain significance. Last evaluated: 2024-09-03. Review status: criteria provided, single submitter. Criteria: LabCorp Variant Classification Summary - May 2015. Collection method: clinical testing. Allele origin: germline.
Comment: Variant summary: ATM c.3265G>T (p.Ala1089Ser) results in a conservative amino acid change in the encoded protein sequence. Five of five in-silico tools predict a benign effect of the variant on protein function. The variant allele was found at a frequency of 8e-06 in 251164 control chromosomes. The available data on variant occurrences in the general population are insufficient to allow any conclusion about variant significance. c.3265G>T has been reported in the literature in at least one individual affected with pancreatic cancer (e.g., Yu_2021). It has also been reported in a cohort of individuals who were suspected to have a hereditary cancer syndrome based on personal or family history (e..g, Bhai_2021). However, these report(s) do not provide unequivocal conclusions about association of the variant with cancer. Co-occurrences with other pathogenic variant(s) have been reported (MLH1 c.1958T>G, p.Leu653Arg), providing supporting evidence for a benign role (Pope_2021). To our knowledge, no experimental evidence demonstrating an impact on protein function has been reported. The following publications have been ascertained in the context of this evaluation (PMID: 34326862, 33383211, 35047863). ClinVar contains an entry for this variant (Variation ID: 181941). Based on the evidence outlined above, the variant was classified as uncertain significance.

GeneDx
Classification: Uncertain significance. Last evaluated: 2024-05-13. Review status: criteria provided, single submitter. Criteria: GeneDx Variant Classification Process June 2021. Collection method: clinical testing. Allele origin: germline. Affected: yes.
Comment: Not observed at significant frequency in large population cohorts (gnomAD); In silico analysis supports that this missense variant does not alter protein structure/function; Observed in individuals with breast cancer or Lynch syndrome, including patients who also harbored variants in BRCA1 and MLH1 respectively (PMID: 34326862, 28779002, 33383211); This variant is associated with the following publications: (PMID: 22210328, 28069802, 28779002, 33383211, 35047863, 19781682, 34326862)

Baylor Genetics
Classification: Uncertain significance for Familial cancer of breast. Last evaluated: 2024-01-31. Review status: criteria provided, single submitter. Criteria: ACMG Guidelines, 2015. Collection method: clinical testing. Allele origin: unknown.

Mayo Clinic Laboratories, Mayo Clinic
Classification: Uncertain significance. Last evaluated: 2023-10-18. Review status: criteria provided, single submitter. Criteria: ACMG Guidelines, 2015. Collection method: clinical testing. Allele origin: germline. Observed: 2 variant alleles.
Comment: BP4

Revvity Omics, Revvity
Classification: Uncertain significance for Ataxia-telangiectasia syndrome. Last evaluated: 2022-11-28. Review status: criteria provided, single submitter. Criteria: ACMG Guidelines, 2015. Collection method: clinical testing. Allele origin: germline.

ARUP Laboratories, Molecular Genetics and Genomics, ARUP Laboratories
Classification: Uncertain significance. Last evaluated: 2022-07-08. Review status: criteria provided, single submitter. Criteria: ARUP Molecular Germline Variant Investigation Process 2021. Collection method: clinical testing. Allele origin: germline.
Comment: The ATM c.3265G>T, p.Ala1089Ser variant (rs730881358), to our knowledge, is not reported in the medical literature but is reported in ClinVar (Variation ID: 181941). This variant is only observed on three alleles in the Genome Aggregation Database, indicating it is not a common polymorphism. The alanine at codon 1089 is moderately conserved, and computational analyses are uncertain whether this variant is neutral or deleterious (REVEL: 0.151). Due to limited information, the clinical significance of the this variant is uncertain at this time

Sema4
Classification: Uncertain significance for Hereditary cancer-predisposing syndrome. Last evaluated: 2021-06-18. Review status: criteria provided, single submitter. Criteria: Sema4 Curation Guidelines. Collection method: curation. Allele origin: germline.
Comment: The ATM c.3265G>T (p.A1089S) variant has not been reported in literature to our knowledge. This variant was observed in 1/30614 chromosomes in the South Asian population, according to the Genome Aggregation Database (PMID: 32461654). This variant has been reported in ClinVar (Variation ID 181941). In silico tools suggest the impact of the variant on protein function is inconclusive, though these predictions have not been confirmed by functional studies. The overall evidence is insufficient to meet ACMG/AMP criteria for classifying it as benign or pathogenic. In summary, the clinical significance of this variant is currently uncertain.

PreventionGenetics, part of Exact Sciences
Classification: Uncertain significance for ATM-related condition. Last evaluated: 2023-12-07. Review status: no assertion criteria provided. Collection method: clinical testing. Allele origin: germline. Not counted in ClinVar's aggregate classification.
Comment: The ATM c.3265G>T variant is predicted to result in the amino acid substitution p.Ala1089Ser. This variant was reported in individuals with breast or pancreatic cancer (Table S5, Decker et al. 2017. PubMed ID: 28779002; Fig 2B, Yu et al. 2022. PubMed ID: 35047863). This variant was also reported in an individual suspected of Lynch syndrome; however, this individual also harbored a causative germline variant in MLH1 (Case SLS6 in Table S3, Pope et al. 2021. PubMed ID: 33383211). This variant is reported in 0.0033% of alleles in individuals of South Asian descent in gnomAD and is interpreted as uncertain in ClinVar. At this time, the clinical significance of this variant is uncertain due to the absence of conclusive functional and genetic evidence.

Natera, Inc.
Classification: Uncertain significance for Ataxia-telangiectasia. Last evaluated: 2020-09-16. Review status: no assertion criteria provided. Collection method: clinical testing. Allele origin: germline. Not counted in ClinVar's aggregate classification.

Literature cited by the submitters: PubMed 28779002 (cited by 3 submitters); PubMed 35047863 (cited by 3 submitters); PubMed 40580951 (cited by Ambry Genetics); PubMed 33383211 (cited by Labcorp Genetics (formerly Invitae), Labcorp and Women's Health and Genetics/Laboratory Corporation of America, LabCorp); PubMed 33471991 (cited by Color Diagnostics, LLC DBA Color Health); PubMed 34326862 (cited by Women's Health and Genetics/Laboratory Corporation of America, LabCorp).